The following is an entry in ClinVar:

NM_001793.6(CDH3):c.401_403delinsTT (p.Asn134fs)

Gene: CDH3 (cadherin 3; plus strand). Cytogenetic location: 16q22.1.
Variant type: Indel.
Coding change: c.401_403delinsTT on transcript NM_001793.6 (MANE Select); coding-DNA positions 401 to 403, ATA replaced by TT.
Protein change: p.Asn134fs; shifts the reading frame from asparagine 134.
Molecular consequence: frameshift variant.
Genome position (GRCh38, 1-based): chr16:68,678,511-68,678,513, ATA replaced by TT. VCF-style: chr16-68678511-ATA-TT. GRCh37 (hg19) VCF-style: chr16-68712414-ATA-TT.
Other names: c.236_238delinsTT, p.Asn79fs (NM_001317196.2); c.401_403delinsTT, p.Asn134fs (NM_001317195.3); short protein forms N79fs, N134fs.
Identifiers: ClinVar variation 1966382 (VCV001966382.5), dbSNP rs2543729239, ClinGen allele CA2580092007.

ClinVar aggregate classification (germline): Pathogenic (1 of 4 stars; one submission).

Submission:

Labcorp Genetics (formerly Invitae), Labcorp
Classification: Pathogenic. Last evaluated: 2024-12-20. Review status: criteria provided, single submitter. Criteria: Invitae Variant Classification Sherloc (09022015). Collection method: clinical testing. Allele origin: germline.
Comment: This sequence change creates a premature translational stop signal (p.Asn134Ilefs*27) in the CDH3 gene. It is expected to result in an absent or disrupted protein product. Loss-of-function variants in CDH3 are known to be pathogenic (PMID: 15805154, 27386845, 29620724). This variant is not present in population databases (gnomAD no frequency). This variant has not been reported in the literature in individuals affected with CDH3-related conditions. For these reasons, this variant has been classified as Pathogenic.

Literature cited by the submitters: PubMed 15805154; PubMed 27386845; PubMed 29620724.